The following is an entry in ClinVar:

ClinVar aggregate classification (germline): Likely benign. Review status: criteria provided, single submitter (1 of 4 stars). 2 submissions from 2 submitters: Likely benign (1). 1 of the submissions does not count toward it. Last evaluated 2022-10-01.

Conditions:
DYRK1B-related disorder. Also called: DYRK1B-related condition.

Allele frequency attached by ClinVar (database versions not stated): TOPMed 0.00001; gnomAD exomes 0.00006; ExAC 0.00002; ESP Exome Variant Server 0.00008.

Submissions (2):

Labcorp Genetics (formerly Invitae), Labcorp
Classification: Likely benign. Last evaluated: 2022-10-01. Review status: criteria provided, single submitter. Criteria: Invitae Variant Classification Sherloc (09022015). Collection method: clinical testing. Allele origin: germline.

PreventionGenetics, part of Exact Sciences
Classification: Likely benign for DYRK1B-related condition. Last evaluated: 2023-01-27. Review status: no assertion criteria provided. Collection method: clinical testing. Allele origin: germline. Not counted in ClinVar's aggregate classification.
Comment: This variant is classified as likely benign based on ACMG/AMP sequence variant interpretation guidelines (Richards et al. 2015 PMID: 25741868, with internal and published modifications).

NM_004714.3(DYRK1B):c.690G>A (p.Thr230=)

Gene: DYRK1B (dual specificity tyrosine phosphorylation regulated kinase 1B; minus strand). Cytogenetic location: 19q13.2.
Variant type: single nucleotide variant.
Coding change: c.690G>A on transcript NM_004714.3 (MANE Select); coding-DNA position 690, G replaced by A.
Protein change: p.Thr230=; no amino-acid change (threonine 230 retained).
Molecular consequence: synonymous variant.
Genome position (GRCh38, 1-based): chr19:39,828,414, C>T on the plus strand (G>A on the coding strand, the complement: DYRK1B is on the minus strand). VCF-style: chr19-39828414-C-T. GRCh37 (hg19) VCF-style: chr19-40319054-C-T.
Other names: c.690G>A (NM_004714.2); c.690G>A, p.Thr230= (NM_006483.3, NM_006484.3).
Identifiers: ClinVar variation 2072042 (VCV002072042.6), dbSNP rs376341893, ClinGen allele CA9434235.
Genomic context (GRCh38, chr19:39,828,414, plus strand): 5'-GGGGTTGCACAGCAAGATGTTTTCGGGCTTGAGGTCGCAGTGAATGATGCTGAGCTCAGG[C>T]GTGGCCAGAAAGAGCAGTGCCGTGCAGAGCTGCTGCGCCAGCTTCCGGGTCAGGTTCAGC-3'
Protein context (NP_004705.1, residues 220-240): QLCTALLFLA[Thr230=]PELSIIHCDL